The following is an entry in ClinVar:

ClinVar aggregate classification (germline): Uncertain significance (1 of 4 stars; one submission).

Conditions:
Early-infantile DEE. Also called: Early infantile epileptic encephalopathy; Ohtahara syndrome; Early infantile epileptic encephalopathy with suppression bursts. Identifiers: Orphanet 1934, MedGen C0393706, MONDO:0800491.

Submission:

Labcorp Genetics (formerly Invitae), Labcorp
Classification: Uncertain significance for Early-infantile DEE. Last evaluated: 2024-05-15. Review status: criteria provided, single submitter. Criteria: Invitae Variant Classification Sherloc (09022015). Collection method: clinical testing. Allele origin: germline.
Comment: This sequence change falls in intron 20 of the SCN1A gene. It does not directly change the encoded amino acid sequence of the SCN1A protein. However, this sequence change falls within a region encompassing a cryptic exon in the SCN1A gene, in which variants have been shown to alter splicing (PMID: 30526861, 34107977). This variant is not present in population databases (gnomAD no frequency). This variant has not been reported in the literature in individuals affected with SCN1A-related conditions. ClinVar contains an entry for this variant (Variation ID: 1674519). Algorithms developed to predict the effect of sequence changes on RNA splicing suggest that this variant is not likely to affect RNA splicing. In summary, the available evidence is currently insufficient to determine the role of this variant in disease. Therefore, it has been classified as a Variant of Uncertain Significance.

Literature cited by the submitters: PubMed 30526861; PubMed 34107977.

NM_001165963.4(SCN1A):c.4002+2393T>C

Genes: SCN1A (sodium voltage-gated channel alpha subunit 1; minus strand), LOC102724058 (uncharacterized LOC102724058; plus strand). Cytogenetic location: 2q24.3.
Variant type: single nucleotide variant.
Coding change: c.4002+2393T>C on transcript NM_001165963.4 (MANE Select); 2393 bases into the intron after coding-DNA position 4002, T replaced by C.
Molecular consequence: intron variant.
Genome position (GRCh38, 1-based): chr2:166,007,326, A>G on the plus strand (T>C on the coding strand, the complement: SCN1A is on the minus strand). VCF-style: chr2-166007326-A-G. GRCh37 (hg19) VCF-style: chr2-166863836-A-G.
Other names: c.3969+2393T>C (NM_001353949.2, NM_001353950.2, NM_001353951.2 and 2 more transcripts); c.3918+2393T>C (NM_001353958.2, NM_001353957.2, NM_001165964.3); c.4002+2393T>C (NM_001202435.3, NM_001353948.2); c.3966+2393T>C (NM_001353955.2, NM_001353954.2); c.3915+2393T>C (NM_001353960.2); c.1560+2393T>C (NM_001353961.2).
Identifiers: ClinVar variation 1674519 (VCV001674519.9), dbSNP rs2105547616, ClinGen allele CA2573133061.
Genomic context (GRCh38, chr2:166,007,326, plus strand): 5'-ACCCCATCCAAGTTGGAGCAAGATTATCCTATACAAAATAGAAATATATAGTTTGTTATT[A>G]GTTAGAAATCTGATATGACAGAACATTTGGTGTTACTTTTTGTTCATGATGCTCTCCGTC-3'